The following is an entry in ClinVar:

ClinVar aggregate classification (germline): Uncertain significance (1 of 4 stars; one submission).

gnomAD v4.1: 1 of 1,537,214 alleles (0.000065%); highest among the groups gnomAD compares: Non-Finnish European, 0.000087%; no homozygotes.

Submission:

GeneDx
Classification: Uncertain significance. Last evaluated: 2025-03-17. Review status: criteria provided, single submitter. Criteria: GeneDx Variant Classification Process June 2021. Collection method: clinical testing. Allele origin: germline. Affected: yes.
Comment: Not observed at significant frequency in large population cohorts (gnomAD); In silico analysis supports that this missense variant has a deleterious effect on protein structure/function; Has not been previously published as pathogenic or benign to our knowledge

NM_001378183.1(PIEZO2):c.2597A>G (p.Asp866Gly)

Gene: PIEZO2 (piezo type mechanosensitive ion channel component 2; minus strand). Cytogenetic location: 18p11.22.
Variant type: single nucleotide variant.
Coding change: c.2597A>G on transcript NM_001378183.1 (MANE Select); coding-DNA position 2597, A replaced by G.
Protein change: p.Asp866Gly; replaces aspartic acid 866 with glycine.
Molecular consequence: missense variant.
Genome position (GRCh38, 1-based): chr18:10,773,600, T>C on the plus strand (A>G on the coding strand, the complement: PIEZO2 is on the minus strand). VCF-style: chr18-10773600-T-C. GRCh37 (hg19) VCF-style: chr18-10773598-T-C.
Other names: c.2597A>G, p.Asp866Gly (NM_001410871.1); c.2522A>G, p.Asp841Gly (NM_022068.4); short protein forms D841G, D866G.
Identifiers: ClinVar variation 4086542 (VCV004086542.1).